The following is an entry in ClinVar:

NM_020778.5(ALPK3):c.2043G>C (p.Gln681His)

Gene: ALPK3 (alpha kinase 3; plus strand). Cytogenetic location: 15q25.3.
Variant type: single nucleotide variant.
Coding change: c.2043G>C on transcript NM_020778.5 (MANE Select); coding-DNA position 2043, G replaced by C.
Protein change: p.Gln681His; replaces glutamine 681 with histidine.
Molecular consequence: missense variant.
Genome position (GRCh38, 1-based): chr15:84,856,781, G>C. VCF-style: chr15-84856781-G-C. GRCh37 (hg19) VCF-style: chr15-85400012-G-C.
Other names: short protein forms Q681H.
Identifiers: ClinVar variation 1794283 (VCV001794283.2), dbSNP rs773791354, ClinGen allele CA7709334.

ClinVar aggregate classification (germline): Uncertain significance (1 of 4 stars; one submission).

Conditions:
Cardiovascular phenotype. Identifiers: MedGen CN230736.

Allele frequency attached by ClinVar (database versions not stated): gnomAD 0.00001; TOPMed 0.00001; ExAC 0.00003.
gnomAD v4.1: 14 of 1,613,930 alleles (0.00087%); highest among the groups gnomAD compares: Non-Finnish European, 0.0012%; no homozygotes.

Submission:

Ambry Genetics
Classification: Uncertain significance for Cardiovascular phenotype. Last evaluated: 2022-10-17. Review status: criteria provided, single submitter. Criteria: Ambry Variant Classification Scheme 2023. Collection method: clinical testing. Allele origin: germline.
Comment: The p.Q883H variant (also known as c.2649G>C), located in coding exon 6 of the ALPK3 gene, results from a G to C substitution at nucleotide position 2649. The glutamine at codon 883 is replaced by histidine, an amino acid with highly similar properties. This amino acid position is conserved. In addition, this alteration is predicted to be tolerated by in silico analysis. Since supporting evidence is limited at this time, the clinical significance of this alteration remains unclear.